The following is an entry in ClinVar:

ClinVar aggregate classification (germline): Conflicting classifications of pathogenicity. Review status: criteria provided, conflicting classifications (1 of 4 stars). 2 submissions from 2 submitters: Uncertain significance (1); Likely benign (1). Last evaluated 2025-01-03.

Conditions:
SMAD9-related disorder. Also called: SMAD9-related condition.
Pulmonary hypertension, primary, 2. Identifiers: Orphanet 422, MedGen C3888002, MONDO:0014134, OMIM 615342.

Allele frequency attached by ClinVar (database versions not stated): ESP Exome Variant Server 0.00008.
gnomAD v4.1: 90 of 1,613,900 alleles (0.0056%); highest among the groups gnomAD compares: African/African-American, 0.11%; no homozygotes.

Submissions (2):

PreventionGenetics, part of Exact Sciences
Classification: Uncertain significance for SMAD9-related condition. Last evaluated: 2025-01-03. Review status: criteria provided, single submitter. Criteria: ACMG Guidelines, 2015. Collection method: clinical testing. Allele origin: germline.
Comment: The SMAD9 c.430G>T variant is predicted to result in the amino acid substitution p.Val144Leu. This variant has been reported in the heterozygous state as a rare, predicted deleterious variant in an individual with HIV-associated pulmonary arterial hypertension (Table S3, ID-11-007, Zhu et al. 2019. PubMed ID: 31727138). This variant is reported in 0.10% of alleles in individuals of African descent in gnomAD, which is likely too frequent to be a primary cause of disease. Although we suspect that this variant may be benign, at this time, the clinical significance of this variant is uncertain due to the absence of conclusive functional and genetic evidence.

Labcorp Genetics (formerly Invitae), Labcorp
Classification: Likely benign for Pulmonary hypertension, primary, 2. Last evaluated: 2024-07-19. Review status: criteria provided, single submitter. Criteria: Invitae Variant Classification Sherloc (09022015). Collection method: clinical testing. Allele origin: germline.

NM_001127217.3(SMAD9):c.430G>T (p.Val144Leu)

Gene: SMAD9 (SMAD family member 9; minus strand). Cytogenetic location: 13q13.3.
Variant type: single nucleotide variant.
Coding change: c.430G>T on transcript NM_001127217.3 (MANE Select); coding-DNA position 430, G replaced by T.
Protein change: p.Val144Leu; replaces valine 144 with leucine.
Molecular consequence: missense variant.
Genome position (GRCh38, 1-based): chr13:36,872,898, C>A on the plus strand (G>T on the coding strand, the complement: SMAD9 is on the minus strand). VCF-style: chr13-36872898-C-A. GRCh37 (hg19) VCF-style: chr13-37447035-C-A.
Other names: c.430G>T, p.Val144Leu (NM_001378621.1, NM_005905.6); short protein forms V144L.
Identifiers: ClinVar variation 2092045 (VCV002092045.5), dbSNP rs370508752, ClinGen allele CA6950553.